The following is an entry in ClinVar:

ClinVar aggregate classification (germline): Uncertain significance. Review status: criteria provided, multiple submitters, no conflicts (2 of 4 stars). 2 submissions from 2 submitters: Uncertain significance (2). Last evaluated 2024-01-02.

Allele frequency attached by ClinVar (database versions not stated): TOPMed below 0.00001; ExAC 0.00001; gnomAD exomes 0.00001.
gnomAD v4.1: 20 of 1,614,214 alleles (0.0012%); highest among the groups gnomAD compares: South Asian, 0.0033%; no homozygotes.

Submissions (2):

GeneDx
Classification: Uncertain significance. Last evaluated: 2024-01-02. Review status: criteria provided, single submitter. Criteria: GeneDx Variant Classification Process June 2021. Collection method: clinical testing. Allele origin: germline. Affected: yes.
Comment: Not observed at significant frequency in large population cohorts (gnomAD); In silico analysis supports that this missense variant has a deleterious effect on protein structure/function; Has not been previously published as pathogenic or benign to our knowledge

Laboratory for Molecular Medicine, Mass General Brigham Personalized Medicine
Classification: Uncertain significance. Last evaluated: 2015-05-05. Review status: criteria provided, single submitter. Criteria: LMM Criteria. Collection method: clinical testing. Allele origin: germline. Observed: 1 variant allele.
Comment: The p.Ser226Leu variant in TMPRSS3 has not been previously reported in individua ls with hearing loss, but it has been identified in 1/16508 South Asian chromoso mes by the Exome Aggregation Consortium (ExAC). Although this variant has been seen in the general population, its frequency is not high enough to rule out a pathogenic role. Computational prediction tools an d conservation analyses suggest that the Ser226Leu variant may not impact the pr otein, though this information is not predictive enough to rule out pathogenicit y. In summary, the clinical significance of the Ser226Leu variant is uncertain.

NM_001256317.3(TMPRSS3):c.677C>T (p.Ser226Leu)

Gene: TMPRSS3 (transmembrane serine protease 3; minus strand). Cytogenetic location: 21q22.3.
Variant type: single nucleotide variant.
Coding change: c.677C>T on transcript NM_001256317.3 (MANE Select); coding-DNA position 677, C replaced by T.
Protein change: p.Ser226Leu; replaces serine 226 with leucine.
Molecular consequence: missense variant.
Genome position (GRCh38, 1-based): chr21:42,383,138, G>A on the plus strand (C>T on the coding strand, the complement: TMPRSS3 is on the minus strand). VCF-style: chr21-42383138-G-A. GRCh37 (hg19) VCF-style: chr21-43803247-G-A.
Other names: c.677C>T, p.Ser226Leu (NM_024022.4, NM_032405.2); c.296C>T, p.Ser99Leu (NM_032404.3); short protein forms S226L, S99L.
Identifiers: ClinVar variation 229327 (VCV000229327.6), dbSNP rs763150678, ClinGen allele CA10042498.
Genomic context (GRCh38, chr21:42,383,138, plus strand): 5'-ACAGAGCCCCCGCACAGGTGGTAGCCCTGGAACTGAAGGCTGGCCTGCCAGGGCCACTGC[G>A]AGAGCAAGGACATGTTTCCACCCACGATGCGTGAGCTGTAGCCCCTTCTATGACCACAGG-3'
Protein context (NP_001243246.1, residues 216-236): RIVGGNMSLL[Ser226Leu]QWPWQASLQF